The following is an entry in ClinVar:

NM_006939.4(SOS2):c.3898C>T (p.Pro1300Ser)

Gene: SOS2 (SOS Ras/Rho guanine nucleotide exchange factor 2; minus strand). Cytogenetic location: 14q21.3.
Variant type: single nucleotide variant.
Coding change: c.3898C>T on transcript NM_006939.4 (MANE Select); coding-DNA position 3898, C replaced by T.
Protein change: p.Pro1300Ser; replaces proline 1300 with serine.
Molecular consequence: missense variant.
Genome position (GRCh38, 1-based): chr14:50,118,445, G>A on the plus strand (C>T on the coding strand, the complement: SOS2 is on the minus strand). VCF-style: chr14-50118445-G-A. GRCh37 (hg19) VCF-style: chr14-50585163-G-A.
Other names: c.3799C>T, p.Pro1267Ser (NM_001411020.1); short protein forms P1267S, P1300S.
Identifiers: ClinVar variation 2563216 (VCV002563216.5), dbSNP rs1340925625, ClinGen allele CA389637086.
Genomic context (GRCh38, chr14:50,118,445, plus strand): 5'-ACAATGGGGGGTGCGAAAGCTCCCGTTTGTAAGTCTTTGGTGGCAGTTTTGGCAGATGAG[G>A]GCTTGAATTCTGCCTTGGTGGAACAGGGGGAGCTGGAGGATGAGCAAGATTATTCTGACT-3'
Protein context (NP_008870.2, residues 1290-1310): PPVPPRQNSS[Pro1300Ser]HLPKLPPKTY

ClinVar aggregate classification (germline): Uncertain significance. Review status: criteria provided, multiple submitters, no conflicts (2 of 4 stars). 2 submissions from 2 submitters: Uncertain significance (2). Last evaluated 2025-11-13.

Conditions:
Cardiovascular phenotype. Identifiers: MedGen CN230736.
Noonan syndrome 9 (NS9). Identifiers: Orphanet 648, MedGen C4225282, MONDO:0014691, OMIM 616559.

Allele frequency attached by ClinVar (database versions not stated): gnomAD 0.00001; TOPMed 0.00001.
gnomAD v4.1: 12 of 1,613,972 alleles (0.00074%); highest among the groups gnomAD compares: African/African-American, 0.0013%; no homozygotes.

Submissions (2):

Labcorp Genetics (formerly Invitae), Labcorp
Classification: Uncertain significance for Noonan syndrome 9. Last evaluated: 2025-11-13. Review status: criteria provided, single submitter. Criteria: Invitae Variant Classification Sherloc (09022015). Collection method: clinical testing. Allele origin: germline.
Comment: This sequence change replaces proline, which is neutral and non-polar, with serine, which is neutral and polar, at codon 1300 of the SOS2 protein (p.Pro1300Ser). This variant is not present in population databases (gnomAD no frequency). This variant has not been reported in the literature in individuals affected with SOS2-related conditions. ClinVar contains an entry for this variant (Variation ID: 2563216). Invitae Evidence Modeling of protein sequence and biophysical properties (such as structural, functional, and spatial information, amino acid conservation, physicochemical variation, residue mobility, and thermodynamic stability) indicates that this missense variant is not expected to disrupt SOS2 protein function with a negative predictive value of 95%. In summary, the available evidence is currently insufficient to determine the role of this variant in disease. Therefore, it has been classified as a Variant of Uncertain Significance.

Ambry Genetics
Classification: Uncertain significance for Cardiovascular phenotype. Last evaluated: 2023-05-11. Review status: criteria provided, single submitter. Criteria: Ambry Variant Classification Scheme 2023. Collection method: clinical testing. Allele origin: germline.
Comment: The p.P1300S variant (also known as c.3898C>T), located in coding exon 23 of the SOS2 gene, results from a C to T substitution at nucleotide position 3898. The proline at codon 1300 is replaced by serine, an amino acid with similar properties. This amino acid position is conserved. In addition, this alteration is predicted to be tolerated by in silico analysis. Since supporting evidence is limited at this time, the clinical significance of this alteration remains unclear.